The following is an entry in ClinVar:

NM_001371533.1(FUT8):c.1531T>C (p.Tyr511His)

Gene: FUT8 (fucosyltransferase 8; plus strand). Cytogenetic location: 14q23.3.
Variant type: single nucleotide variant.
Coding change: c.1531T>C on transcript NM_001371533.1 (MANE Select); coding-DNA position 1531, T replaced by C.
Protein change: p.Tyr511His; replaces tyrosine 511 with histidine.
Molecular consequence: missense variant. On other transcripts: non-coding transcript variant (1).
Genome position (GRCh38, 1-based): chr14:65,742,213, T>C. VCF-style: chr14-65742213-T-C. GRCh37 (hg19) VCF-style: chr14-66208931-T-C.
Other names: c.1531T>C, p.Tyr511His (NM_001371534.1, NM_178155.3, NM_178156.2); c.1633T>C, p.Tyr545His (NM_001371536.1); c.1042T>C, p.Tyr348His (NM_004480.4); c.1531T>C (NM_178155.2); short protein forms Y348H, Y545H, Y511H.
Identifiers: ClinVar variation 1973315 (VCV001973315.6), dbSNP rs1232279703, ClinGen allele CA390251752.
Genomic context (GRCh38, chr14:65,742,213, plus strand): 5'-CATTCTTTAGATGACATCTACTATTTTGGGGGCCAGAATGCCCACAATCAAATTGCCATT[T>C]ATGCTCACCAACCCCGAACTGCAGATGAAATTCCCATGGAACCTGGAGATATCATTGGTG-3'
Protein context (NP_001358462.1, residues 501-521): GQNAHNQIAI[Tyr511His]AHQPRTADEI

ClinVar aggregate classification (germline): Uncertain significance. Review status: criteria provided, multiple submitters, no conflicts (2 of 4 stars). 2 submissions from 2 submitters: Uncertain significance (2). Last evaluated 2025-09-27.

Conditions:
Inborn genetic diseases. Identifiers: MedGen C0950123, MeSH D030342.

Allele frequency attached by ClinVar (database versions not stated): TOPMed below 0.00001; gnomAD exomes 0.00001.
gnomAD v4.1: 13 of 1,613,120 alleles (0.00081%); highest among the groups gnomAD compares: Non-Finnish European, 0.001%; no homozygotes.

Submissions (2):

Ambry Genetics
Classification: Uncertain significance for Inborn genetic diseases. Last evaluated: 2025-09-27. Review status: criteria provided, single submitter. Criteria: Ambry Variant Classification Scheme 2023. Collection method: clinical testing. Allele origin: germline.

Labcorp Genetics (formerly Invitae), Labcorp
Classification: Uncertain significance. Last evaluated: 2022-08-05. Review status: criteria provided, single submitter. Criteria: Invitae Variant Classification Sherloc (09022015). Collection method: clinical testing. Allele origin: germline.
Comment: In summary, the available evidence is currently insufficient to determine the role of this variant in disease. Therefore, it has been classified as a Variant of Uncertain Significance. Algorithms developed to predict the effect of missense changes on protein structure and function are either unavailable or do not agree on the potential impact of this missense change (SIFT: "Tolerated"; PolyPhen-2: "Probably Damaging"; Align-GVGD: "Class C0"). This variant has not been reported in the literature in individuals affected with FUT8-related conditions. This variant is not present in population databases (gnomAD no frequency). This sequence change replaces tyrosine, which is neutral and polar, with histidine, which is basic and polar, at codon 511 of the FUT8 protein (p.Tyr511His).